The following is an entry in ClinVar:

ClinVar aggregate classification (germline): Uncertain significance. Review status: criteria provided, single submitter (1 of 4 stars). 2 submissions from 2 submitters: Uncertain significance (1). 1 of the submissions does not count toward it. Last evaluated 2021-06-18.

Conditions:
Glutamate pyruvate transaminase 2 deficiency (NEDSPM). Also called: Neurodevelopmental disorder with microcephaly and spastic paraplegia. Identifiers: Orphanet 477673, MedGen C4225388, MONDO:0014567, OMIM 616281.

Allele frequency attached by ClinVar (database versions not stated): gnomAD exomes below 0.00001; ESP Exome Variant Server 0.00008; ExAC 0.00001; TOPMed 0.00002; gnomAD 0.00003.
gnomAD v4.1: 10 of 1,613,958 alleles (0.00062%); highest among the groups gnomAD compares: African/African-American, 0.012%; no homozygotes.

Submissions (2):

GeneDx
Classification: Uncertain significance. Last evaluated: 2021-06-18. Review status: criteria provided, single submitter. Criteria: GeneDx Variant Classification Process June 2021. Collection method: clinical testing. Allele origin: germline. Affected: yes.
Comment: Not observed at significant frequency in large population cohorts (Lek et al., 2016); In silico analysis supports that this missense variant has a deleterious effect on protein structure/function; Published functional studies suggest diminished enzymatic activity (Ouyang et al., 2019); This variant is associated with the following publications: (PMID: 31471722, 26582918, 27535533)

OMIM
Classification: Pathogenic for NEURODEVELOPMENTAL DISORDER WITH SPASTIC PARAPLEGIA AND MICROCEPHALY. Last evaluated: 2020-11-05. Review status: no assertion criteria provided. Collection method: literature only. Allele origin: germline. Not counted in ClinVar's aggregate classification.

Literature cited by the submitters: PubMed 31471722 (cited by OMIM).

NM_133443.4(GPT2):c.775T>C (p.Cys259Arg)

Gene: GPT2 (glutamic--pyruvic transaminase 2; plus strand). Cytogenetic location: 16q11.2.
Variant type: single nucleotide variant.
Coding change: c.775T>C on transcript NM_133443.4 (MANE Select); coding-DNA position 775, T replaced by C.
Protein change: p.Cys259Arg; replaces cysteine 259 with arginine.
Molecular consequence: missense variant.
Genome position (GRCh38, 1-based): chr16:46,909,882, T>C. VCF-style: chr16-46909882-T-C. GRCh37 (hg19) VCF-style: chr16-46943794-T-C.
Other names: c.475T>C, p.Cys159Arg (NM_001142466.3); short protein forms C259R, C159R.
Identifiers: ClinVar variation 983542 (VCV000983542.4), dbSNP rs368711025, ClinGen allele CA8038687.